The following is an entry in ClinVar:

NM_001273.5(CHD4):c.3534G>A (p.Ala1178=)

Gene: CHD4 (chromodomain helicase DNA binding protein 4; minus strand). Cytogenetic location: 12p13.31.
Variant type: single nucleotide variant.
Coding change: c.3534G>A on transcript NM_001273.5 (MANE Select); coding-DNA position 3534, G replaced by A.
Protein change: p.Ala1178=; no amino-acid change (alanine 1178 retained).
Molecular consequence: synonymous variant.
Genome position (GRCh38, 1-based): chr12:6,587,881, C>T on the plus strand (G>A on the coding strand, the complement: CHD4 is on the minus strand). VCF-style: chr12-6587881-C-T. GRCh37 (hg19) VCF-style: chr12-6697047-C-T.
Other names: c.3513G>A, p.Ala1171= (NM_001297553.2); c.3495G>A, p.Ala1165= (NM_001363606.2).
Identifiers: ClinVar variation 2068224 (VCV002068224.6), dbSNP rs753114263, ClinGen allele CA6411744.

ClinVar aggregate classification (germline): Likely benign. Review status: criteria provided, multiple submitters, no conflicts (2 of 4 stars). 2 submissions from 2 submitters: Likely benign (2). Last evaluated 2026-04-01.

Allele frequency attached by ClinVar (database versions not stated): ExAC 0.00001; gnomAD exomes 0.00001; TOPMed 0.00002; gnomAD 0.00003.

Submissions (2):

CeGaT Center for Human Genetics Tuebingen
Classification: Likely benign. Last evaluated: 2026-04-01. Review status: criteria provided, single submitter. Criteria: CeGaT Center For Human Genetics Tuebingen Variant Classification Criteria Version 2. Collection method: clinical testing. Allele origin: germline. Affected: yes. Observed: 1 variant allele.
Comment: CHD4: BP4, BP7

Labcorp Genetics (formerly Invitae), Labcorp
Classification: Likely benign. Last evaluated: 2022-10-19. Review status: criteria provided, single submitter. Criteria: Invitae Variant Classification Sherloc (09022015). Collection method: clinical testing. Allele origin: germline.